The following is an entry in ClinVar:

NM_004972.4(JAK2):c.1867A>G (p.Ile623Val)

Genes: INSL6 (insulin like 6; minus strand), JAK2 (Janus kinase 2; plus strand). Cytogenetic location: 9p24.1.
Variant type: single nucleotide variant.
Coding change: c.1867A>G on transcript NM_004972.4 (MANE Select); coding-DNA position 1867, A replaced by G.
Protein change: p.Ile623Val; replaces isoleucine 623 with valine.
Molecular consequence: missense variant. On other transcripts: non-coding transcript variant (2).
Genome position (GRCh38, 1-based): chr9:5,077,455, A>G. VCF-style: chr9-5077455-A-G. GRCh37 (hg19) VCF-style: chr9-5077455-A-G.
Other names: c.1867A>G, p.Ile623Val (NM_001322194.2, NM_001322195.2, NM_001322196.2); c.652A>G, p.Ile218Val (NM_001322198.2, NM_001322199.2); c.1420A>G, p.Ile474Val (NM_001322204.2); short protein forms I218V, I474V, I623V.
Identifiers: ClinVar variation 5036693 (VCV005036693.1).

ClinVar aggregate classification (germline): Uncertain significance (1 of 4 stars; one submission).

Conditions:
Myeloproliferative neoplasm. Identifiers: Orphanet 98274, MedGen C1292778, MONDO:0020076.

Submission:

Dept of Medical Biology, Uskudar University
Classification: Uncertain significance for Myeloproliferative neoplasm. Last evaluated: 2026-09-23. Review status: criteria provided, single submitter. Criteria: Dept of Medical Biology Variant Classification. Collection method: research. Allele origin: unknown. Affected: yes. Observed: 1 variant allele.
Comment: PM2_supporting: absent from gnomAD v4.1 at a well-covered site (allele number 945,674). PP3: computational evidence supports a deleterious effect (SIFT 0.03 deleterious, low confidence; PolyPhen-2 0.678 possibly damaging). Classified as uncertain significance under the ACMG/AMP 2015 guidelines (PMID:25741868). Detected in a retrospective series of 256 BCR::ABL1-negative and JAK2 V617F-negative patients referred for molecular investigation of a suspected myeloproliferative neoplasm (May 2007 to January 2015) and re-interpreted under the ACMG/AMP 2015 criteria.